The following is an entry in ClinVar:

ClinVar aggregate classification (germline): Uncertain significance (1 of 4 stars; one submission).

Conditions:
KIDINS220-related disorder. Also called: KIDINS220-related condition.

gnomAD v4.1: 13 of 1,612,662 alleles (0.00081%); highest among the groups gnomAD compares: South Asian, 0.0022%; no homozygotes.

Submission:

PreventionGenetics, part of Exact Sciences
Classification: Uncertain significance for KIDINS220-related condition. Last evaluated: 2025-05-13. Review status: criteria provided, single submitter. Criteria: ACMG Guidelines, 2015. Collection method: clinical testing. Allele origin: germline.
Comment: The KIDINS220 c.1129C>T variant is predicted to result in the amino acid substitution p.Arg377Cys. To our knowledge, this variant has not been reported in the literature or in a large population database (gnomAD), indicating this variant is rare. At this time, the clinical significance of this variant is uncertain due to the absence of conclusive functional and genetic evidence.

NM_020738.4(KIDINS220):c.1129C>T (p.Arg377Cys)

Gene: KIDINS220 (kinase D interacting substrate 220; minus strand). Cytogenetic location: 2p25.1.
Variant type: single nucleotide variant.
Coding change: c.1129C>T on transcript NM_020738.4 (MANE Select); coding-DNA position 1129, C replaced by T.
Protein change: p.Arg377Cys; replaces arginine 377 with cysteine.
Molecular consequence: missense variant. On other transcripts: non-coding transcript variant (2).
Genome position (GRCh38, 1-based): chr2:8,793,957, G>A on the plus strand (C>T on the coding strand, the complement: KIDINS220 is on the minus strand). VCF-style: chr2-8793957-G-A. GRCh37 (hg19) VCF-style: chr2-8934087-G-A.
Other names: c.1132C>T, p.Arg378Cys (NM_001348729.2, NM_001348731.2, NM_001348734.2 and 3 more transcripts); c.1129C>T, p.Arg377Cys (NM_001348732.2, NM_001348735.2, NM_001348738.2 and 3 more transcripts); c.1003C>T, p.Arg335Cys (NM_001348736.2); short protein forms R378C, R335C, R377C.
Identifiers: ClinVar variation 4990641 (VCV004990641.1).
Genomic context (GRCh38, chr2:8,793,957, plus strand): 5'-GTAATCGCCCATCTTTGGGATTTCTTAAAAGCAGTTCTGCCAGTTTCCGGCTCCTTCCAC[G>A]AATAGCAATATGCAAGGGAGTATCTCCTTTCTGTAAAATAATAGTACGAAACTTGAACTT-3'
Protein context (NP_065789.1, residues 367-387): KGDTPLHIAI[Arg377Cys]GRSRKLAELL